The following is an entry in ClinVar:

NM_020297.4(ABCC9):c.3669G>A (p.Thr1223=)

Genes: ABCC9 (ATP binding cassette subfamily C member 9; minus strand), KCNJ8-AS1 (KCNJ8 antisense RNA 1; plus strand). Cytogenetic location: 12p12.1.
Variant type: single nucleotide variant.
Coding change: c.3669G>A on transcript NM_020297.4 (MANE Select); coding-DNA position 3669, G replaced by A.
Protein change: p.Thr1223=; no amino-acid change (threonine 1223 retained).
Molecular consequence: synonymous variant.
Genome position (GRCh38, 1-based): chr12:21,828,958, C>T on the plus strand (G>A on the coding strand, the complement: ABCC9 is on the minus strand). VCF-style: chr12-21828958-C-T. GRCh37 (hg19) VCF-style: chr12-21981892-C-T.
Other names: c.3669G>A, p.Thr1223= (NM_001377273.1, NM_005691.4); c.2802G>A, p.Thr934= (NM_001377274.1).
Identifiers: ClinVar variation 177999 (VCV000177999.25), dbSNP rs146942382, ClinGen allele CA181136.

ClinVar aggregate classification (germline): Conflicting classifications of pathogenicity. Review status: criteria provided, conflicting classifications (1 of 4 stars). 7 submissions from 7 submitters: Uncertain significance (5); Likely benign (2). Last evaluated 2026-08-31.

Conditions:
Cardiovascular phenotype. Identifiers: MedGen CN230736.
Hypertrichotic osteochondrodysplasia Cantu type. Also called: Cantú Syndrome; Cantu Syndrome. Identifiers: Orphanet 1517, MedGen C0795905, MONDO:0009406, OMIM 239850.
Intellectual disability and myopathy syndrome (IDMYS). Identifiers: MedGen C5676904, MONDO:0859224, OMIM 619719.
Atrial fibrillation, familial, 12 (ATFB12). Identifiers: MedGen C3279695, MONDO:0013545, OMIM 614050.
Dilated cardiomyopathy 1O (CMD1O). Also called: CARDIOMYOPATHY, DILATED, WITH VENTRICULAR TACHYCARDIA. Identifiers: Orphanet 154, MedGen C1837839, MONDO:0012062, OMIM 608569.

Allele frequency attached by ClinVar (database versions not stated): ExAC 0.00007; ESP Exome Variant Server 0.00008; gnomAD exomes 0.00008; gnomAD 0.00015 and 0.00016; TOPMed 0.00016.
gnomAD v4.1: 287 of 1,612,264 alleles (0.018%); highest among the groups gnomAD compares: Non-Finnish European, 0.023%; no homozygotes.

Submissions (8):

GeneDx
Classification: Uncertain significance. Last evaluated: 2026-08-31. Review status: criteria provided, single submitter. Criteria: GeneDx Variant Classification Process June 2021. Collection method: clinical testing. Allele origin: germline.
Comment: Alters the last nucleotide of the exon and is predicted to destroy the splice donor site and result in aberrant splicing, although in the absence of functional evidence the actual effect of this sequence change is unknown; Has not been previously published as pathogenic or benign to our knowledge

Labcorp Genetics (formerly Invitae), Labcorp
Classification: Uncertain significance for Dilated cardiomyopathy 1O. Last evaluated: 2026-02-04. Review status: criteria provided, single submitter. Criteria: Invitae Variant Classification Sherloc (09022015). Collection method: clinical testing. Allele origin: germline.
Comment: This sequence change affects codon 1223 of the ABCC9 mRNA. It is a 'silent' change, meaning that it does not change the encoded amino acid sequence of the ABCC9 protein. This variant also falls at the last nucleotide of exon 29, which is part of the consensus splice site for this exon. This variant is present in population databases (rs146942382, gnomAD 0.02%). This variant has not been reported in the literature in individuals affected with ABCC9-related conditions. ClinVar contains an entry for this variant (Variation ID: 177999). Variants that disrupt the consensus splice site are a relatively common cause of aberrant splicing (PMID: 17576681, 9536098). Algorithms developed to predict the effect of sequence changes on RNA splicing suggest that this variant may disrupt the consensus splice site. In summary, the available evidence is currently insufficient to determine the role of this variant in disease. Therefore, it has been classified as a Variant of Uncertain Significance.

Blueprint Genetics
Classification: Likely benign. Last evaluated: 2024-11-07. Review status: criteria provided, single submitter. Criteria: ACMG Guidelines, 2015. Collection method: clinical testing. Allele origin: germline.

Ambry Genetics
Classification: Likely benign for Cardiovascular phenotype. Last evaluated: 2023-07-17. Review status: criteria provided, single submitter. Criteria: Ambry Variant Classification Scheme 2023. Collection method: clinical testing. Allele origin: germline.

Fulgent Genetics
Classification: Uncertain significance for Hypertrichotic osteochondrodysplasia Cantu type; Dilated cardiomyopathy 1O; Atrial fibrillation, familial, 12; Intellectual disability and myopathy syndrome. Last evaluated: 2021-10-05. Review status: criteria provided, single submitter. Criteria: ACMG Guidelines, 2015. Collection method: clinical testing. Allele origin: unknown.

Centre for Mendelian Genomics, University Medical Centre Ljubljana
Classification: Uncertain significance for Dilated cardiomyopathy 1O. Last evaluated: 2016-01-01. Review status: criteria provided, single submitter. Criteria: ACMG Guidelines, 2015. Collection method: clinical testing. Allele origin: unknown. Affected: yes.
Comment: This variant was classified as: Uncertain significance.

Laboratory for Molecular Medicine, Mass General Brigham Personalized Medicine
Classification: Uncertain significance. Last evaluated: 2014-08-21. Review status: criteria provided, single submitter. Criteria: LMM Criteria. Collection method: clinical testing. Allele origin: germline. Observed: 2 variant alleles.
Comment: The Thr1223Thr variant in ABCC9 has not been previously reported in individuals with cardiomyopathy, but has been identified in 1/8600 European American chromos omes by the NHLBI Exome Sequencing Project (d bSNP rs146942382). Although this variant does not alter an amino acid residue, i t is located in the 5' splice region. Computational tools suggest this variant m ay have an impact to splicing; however, this information is not predictive enoug h to determine pathogenicity. In summary, the clinical significance of the Thr12 23Thr variant is uncertain.

Dr. Peter K. Rogan Lab, Western University
No classification provided (evidence only). Condition: Gastric cancer. Review status: no classification provided. Collection method: in vitro. Allele origin: not applicable. Functional consequence: retained intron. Not counted in ClinVar's aggregate classification.

Literature cited by the submitters: PubMed 17576681 (cited by Labcorp Genetics (formerly Invitae), Labcorp); PubMed 9536098 (cited by Labcorp Genetics (formerly Invitae), Labcorp).